The following is an entry in ClinVar:

ClinVar aggregate classification (germline): Uncertain significance (1 of 4 stars; one submission).

Conditions:
Early-infantile DEE. Also called: Ohtahara syndrome; Early infantile epileptic encephalopathy; Early infantile epileptic encephalopathy with suppression bursts. Identifiers: Orphanet 1934, MedGen C0393706, MONDO:0800491.

Submission:

Labcorp Genetics (formerly Invitae), Labcorp
Classification: Uncertain significance for Early-infantile DEE. Last evaluated: 2023-09-10. Review status: criteria provided, single submitter. Criteria: Invitae Variant Classification Sherloc (09022015). Collection method: clinical testing. Allele origin: germline.
Comment: This variant has not been reported in the literature in individuals affected with KCNH5-related conditions. This variant is not present in population databases (gnomAD no frequency). This sequence change replaces lysine, which is basic and polar, with glutamic acid, which is acidic and polar, at codon 933 of the KCNH5 protein (p.Lys933Glu). Advanced modeling of protein sequence and biophysical properties (such as structural, functional, and spatial information, amino acid conservation, physicochemical variation, residue mobility, and thermodynamic stability) performed at Invitae indicates that this missense variant is not expected to disrupt KCNH5 protein function. In summary, the available evidence is currently insufficient to determine the role of this variant in disease. Therefore, it has been classified as a Variant of Uncertain Significance.

NM_139318.5(KCNH5):c.2797A>G (p.Lys933Glu)

Gene: KCNH5 (potassium voltage-gated channel subfamily H member 5; minus strand). Cytogenetic location: 14q23.2.
Variant type: single nucleotide variant.
Coding change: c.2797A>G on transcript NM_139318.5 (MANE Select); coding-DNA position 2797, A replaced by G.
Protein change: p.Lys933Glu; replaces lysine 933 with glutamic acid.
Molecular consequence: missense variant. On other transcripts: 3 prime UTR variant (1).
Genome position (GRCh38, 1-based): chr14:62,707,678, T>C on the plus strand (A>G on the coding strand, the complement: KCNH5 is on the minus strand). VCF-style: chr14-62707678-T-C. GRCh37 (hg19) VCF-style: chr14-63174396-T-C.
Other names: c.*764A>G (NM_172375.3); short protein forms K933E.
Identifiers: ClinVar variation 2759506 (VCV002759506.3), dbSNP rs2502652574, ClinGen allele CA390099811.